The following is an entry in ClinVar:

NM_013432.5(TONSL):c.3050A>G (p.Asp1017Gly)

Gene: TONSL (tonsoku like, DNA repair protein; minus strand). Cytogenetic location: 8q24.3.
Variant type: single nucleotide variant.
Coding change: c.3050A>G on transcript NM_013432.5 (MANE Select); coding-DNA position 3050, A replaced by G.
Protein change: p.Asp1017Gly; replaces aspartic acid 1017 with glycine.
Molecular consequence: missense variant.
Genome position (GRCh38, 1-based): chr8:144,434,846, T>C on the plus strand (A>G on the coding strand, the complement: TONSL is on the minus strand). VCF-style: chr8-144434846-T-C. GRCh37 (hg19) VCF-style: chr8-145660229-T-C.
Other names: short protein forms D1017G.
Identifiers: ClinVar variation 2062072 (VCV002062072.4), dbSNP rs1171617550, ClinGen allele CA372648802.

ClinVar aggregate classification (germline): Uncertain significance (1 of 4 stars; one submission).

Allele frequency attached by ClinVar (database versions not stated): TOPMed below 0.00001; gnomAD 0.00001; gnomAD exomes 0.00001.

Submission:

Labcorp Genetics (formerly Invitae), Labcorp
Classification: Uncertain significance. Last evaluated: 2023-10-13. Review status: criteria provided, single submitter. Criteria: Invitae Variant Classification Sherloc (09022015). Collection method: clinical testing. Allele origin: germline.
Comment: This sequence change replaces aspartic acid, which is acidic and polar, with glycine, which is neutral and non-polar, at codon 1017 of the TONSL protein (p.Asp1017Gly). This variant is not present in population databases (gnomAD no frequency). This variant has not been reported in the literature in individuals affected with TONSL-related conditions. ClinVar contains an entry for this variant (Variation ID: 2062072). Advanced modeling of protein sequence and biophysical properties (such as structural, functional, and spatial information, amino acid conservation, physicochemical variation, residue mobility, and thermodynamic stability) performed at Invitae indicates that this missense variant is expected to disrupt TONSL protein function. In summary, the available evidence is currently insufficient to determine the role of this variant in disease. Therefore, it has been classified as a Variant of Uncertain Significance.